The following is an entry in ClinVar:

ClinVar aggregate classification (germline): Uncertain significance (1 of 4 stars; one submission).

Conditions:
Inborn genetic diseases. Identifiers: MedGen C0950123, MeSH D030342.

Submission:

Ambry Genetics
Classification: Uncertain significance for Inborn genetic diseases. Last evaluated: 2025-03-29. Review status: criteria provided, single submitter. Criteria: Ambry Variant Classification Scheme 2023. Collection method: clinical testing. Allele origin: germline.
Comment: The p.G691W variant (also known as c.2071G>T), located in coding exon 14 of the ERCC6L2 gene, results from a G to T substitution at nucleotide position 2071. The glycine at codon 691 is replaced by tryptophan, an amino acid with highly dissimilar properties. This amino acid position is conserved. In addition, the in silico prediction for this alteration is inconclusive. Based on the available evidence, the clinical significance of this variant remains unclear.

NM_020207.7(ERCC6L2):c.2071G>T (p.Gly691Trp)

Gene: ERCC6L2 (ERCC excision repair 6 like 2; plus strand). Cytogenetic location: 9q22.32.
Variant type: single nucleotide variant.
Coding change: c.2071G>T on transcript NM_020207.7 (MANE Select); coding-DNA position 2071, G replaced by T.
Protein change: p.Gly691Trp; replaces glycine 691 with tryptophan.
Molecular consequence: missense variant. On other transcripts: non-coding transcript variant (1).
Genome position (GRCh38, 1-based): chr9:95,966,685, G>T. VCF-style: chr9-95966685-G-T. GRCh37 (hg19) VCF-style: chr9-98728967-G-T.
Other names: c.2071G>T, p.Gly691Trp (NM_001010895.4, NM_001375291.1, NM_001375292.1 and 2 more transcripts); short protein forms G691W.
Identifiers: ClinVar variation 4019281 (VCV004019281.1).
Genomic context (GRCh38, chr9:95,966,685, plus strand): 5'-TCTAAAGAGCATCAAGGAGAGCTTTTTGGGATCCATAACCTCTTCAAATTTAGGTCCCAA[G>T]GGTCTTGTCTTACGAAGGACATCCTGGAGGTGTGAACTTCTTCTCTGACCTTTTCAATAA-3'
Protein context (NP_064592.3, residues 681-701): IHNLFKFRSQ[Gly691Trp]SCLTKDILER